The following is an entry in ClinVar:

ClinVar aggregate classification (germline): Uncertain significance (1 of 4 stars; one submission).

Allele frequency attached by ClinVar (database versions not stated): ExAC 0.00001; TOPMed 0.00001; gnomAD exomes 0.00002.
gnomAD v4.1: 23 of 1,614,036 alleles (0.0014%); highest among the groups gnomAD compares: Admixed American, 0.005%; no homozygotes.

Submission:

Labcorp Genetics (formerly Invitae), Labcorp
Classification: Uncertain significance. Last evaluated: 2023-12-25. Review status: criteria provided, single submitter. Criteria: Invitae Variant Classification Sherloc (09022015). Collection method: clinical testing. Allele origin: germline.
Comment: This sequence change falls in intron 19 of the SLC44A4 gene. It does not directly change the encoded amino acid sequence of the SLC44A4 protein. This variant is present in population databases (rs766651437, gnomAD 0.009%). This variant has not been reported in the literature in individuals affected with SLC44A4-related conditions. Algorithms developed to predict the effect of sequence changes on RNA splicing suggest that this variant may disrupt the consensus splice site. In summary, the available evidence is currently insufficient to determine the role of this variant in disease. Therefore, it has been classified as a Variant of Uncertain Significance.

NM_025257.3(SLC44A4):c.1927-10T>C

Gene: SLC44A4 (solute carrier family 44 member 4; minus strand). Cytogenetic location: 6p21.33.
Variant type: single nucleotide variant.
Coding change: c.1927-10T>C on transcript NM_025257.3 (MANE Select); 10 bases into the intron before coding-DNA position 1927, T replaced by C.
Molecular consequence: intron variant.
Genome position (GRCh38, 1-based): chr6:31,864,746, A>G on the plus strand (T>C on the coding strand, the complement: SLC44A4 is on the minus strand). VCF-style: chr6-31864746-A-G. GRCh37 (hg19) VCF-style: chr6-31832523-A-G.
Other names: c.1801-10T>C (NM_001178044.2); c.1699-10T>C (NM_001178045.2).
Identifiers: ClinVar variation 2786081 (VCV002786081.3), dbSNP rs766651437, ClinGen allele CA3725205.